The following is an entry in ClinVar:

ClinVar aggregate classification (germline): Pathogenic. Review status: criteria provided, multiple submitters, no conflicts (2 of 4 stars). 7 submissions from 7 submitters: Pathogenic (6). 1 of the submissions does not count toward it. Last evaluated 2024-12-10.

Conditions:
CAPN3-related disorder. Also called: CAPN3-related condition; CAPN3-related disorders. Identifiers: MedGen CN239245.
Autosomal recessive limb-girdle muscular dystrophy type 2A (LGMDR1). Also called: LEYDEN-MOEBIUS MUSCULAR DYSTROPHY; MUSCULAR DYSTROPHY, PELVOFEMORAL; Limb-girdle muscular dystrophy, type 2A; Calpainopathy; Muscular dystrophy, limb-girdle, type 2A, Amish. Identifiers: Orphanet 267, MedGen C1869123, MONDO:0009675, OMIM 253600. Disease mechanism: loss of function.
Muscular dystrophy, limb-girdle, autosomal dominant 4. Also called: Calpain-3-related limb-girdle muscular dystrophy D4; MUSCULAR DYSTROPHY, LIMB-GIRDLE, TYPE 1I. Identifiers: Orphanet 565909, MedGen C4748295, MONDO:0029133, OMIM 618129.

Allele frequency attached by ClinVar (database versions not stated): gnomAD exomes 0.00001.
gnomAD v4.1: 9 of 1,613,118 alleles (0.00056%); highest among the groups gnomAD compares: Non-Finnish European, 0.00068%; no homozygotes.

Submissions (7):

Labcorp Genetics (formerly Invitae), Labcorp
Classification: Pathogenic for Autosomal recessive limb-girdle muscular dystrophy type 2A. Last evaluated: 2024-12-10. Review status: criteria provided, single submitter. Criteria: Invitae Variant Classification Sherloc (09022015). Collection method: clinical testing. Allele origin: germline.
Comment: This sequence change affects an acceptor splice site in intron 6 of the CAPN3 gene. It is expected to disrupt RNA splicing. Variants that disrupt the donor or acceptor splice site typically lead to a loss of protein function (PMID: 16199547), and loss-of-function variants in CAPN3 are known to be pathogenic (PMID: 10330340, 15689361). This variant is not present in population databases (gnomAD no frequency). Disruption of this splice site has been observed in individuals with autosomal recessive limb-girdle muscular dystrophy (PMID: 15689361, 18055493, 27363342). ClinVar contains an entry for this variant (Variation ID: 663747). Algorithms developed to predict the effect of sequence changes on RNA splicing suggest that this variant may disrupt the consensus splice site. For these reasons, this variant has been classified as Pathogenic.

Blueprint Genetics
Classification: Pathogenic for CAPN3-related disorders. Last evaluated: 2024-06-07. Review status: criteria provided, single submitter. Criteria: ACMG Guidelines, 2015. Collection method: clinical testing. Allele origin: germline. Affected: yes. Observed: 3 variant alleles.

Fulgent Genetics
Classification: Pathogenic for Autosomal recessive limb-girdle muscular dystrophy type 2A; Muscular dystrophy, limb-girdle, autosomal dominant 4. Last evaluated: 2024-05-23. Review status: criteria provided, single submitter. Criteria: ACMG Guidelines, 2015. Collection method: clinical testing. Allele origin: germline.

Baylor Genetics
Classification: Pathogenic for Muscular dystrophy, limb-girdle, autosomal dominant 4. Last evaluated: 2023-12-02. Review status: criteria provided, single submitter. Criteria: ACMG Guidelines, 2015. Collection method: clinical testing. Allele origin: unknown.

Kariminejad - Najmabadi Pathology & Genetics Center
Classification: Pathogenic for Autosomal recessive limb-girdle muscular dystrophy type 2A. Last evaluated: 2023-06-12. Review status: criteria provided, single submitter. Criteria: ACMG Guidelines, 2015. Collection method: clinical testing. Allele origin: germline. Inheritance: Autosomal recessive inheritance. Affected: yes. Observed: 2 variant alleles.
Comment: PP5_Strong,PVS1_Strong,PM2_Moderate

CeGaT Center for Human Genetics Tuebingen
Classification: Pathogenic. Last evaluated: 2017-11-01. Review status: criteria provided, single submitter. Criteria: CeGaT Center For Human Genetics Tuebingen Variant Classification Criteria Version 2. Collection method: clinical testing. Allele origin: germline. Affected: yes. Observed: 1 variant allele.

PreventionGenetics, part of Exact Sciences
Classification: Pathogenic for CAPN3-related condition. Last evaluated: 2024-02-15. Review status: no assertion criteria provided. Collection method: clinical testing. Allele origin: germline. Not counted in ClinVar's aggregate classification.
Comment: The CAPN3 c.946-2A>G variant is predicted to disrupt the AG splice acceptor site and interfere with normal splicing. This variant has been reported in the homozygous and compound heterozygous state in several individuals with autosomal recessive limb-girdle muscular dystrophy (Groen et al. 2007. PubMed ID: 18055493; Mojbafan et al. 2018. PubMed ID: 30056071; Table S1, Ganaraja et al. 2021. PubMed ID: 35169782; Table 1, Mianesaz et al. 2022. PubMed ID: 36374152). This variant has not been reported in a large population database, indicating this variant is rare. Variants that disrupt the consensus splice acceptor site in CAPN3 are expected to be pathogenic. This variant is interpreted as pathogenic for autosomal recessive CAPN3-related disorders.

Literature cited by the submitters: PubMed 16199547 (cited by Labcorp Genetics (formerly Invitae), Labcorp); PubMed 10330340 (cited by Labcorp Genetics (formerly Invitae), Labcorp); PubMed 15689361 (cited by Labcorp Genetics (formerly Invitae), Labcorp); PubMed 18055493 (cited by Labcorp Genetics (formerly Invitae), Labcorp); PubMed 27363342 (cited by Labcorp Genetics (formerly Invitae), Labcorp).

NM_000070.3(CAPN3):c.946-2A>G

Gene: CAPN3 (calpain 3; plus strand). Cytogenetic location: 15q15.1.
Variant type: single nucleotide variant.
Coding change: c.946-2A>G on transcript NM_000070.3 (MANE Select); the canonical splice acceptor site of the intron before coding-DNA position 946, A replaced by G.
Molecular consequence: splice acceptor variant.
Genome position (GRCh38, 1-based): chr15:42,392,637, A>G. VCF-style: chr15-42392637-A-G. GRCh37 (hg19) VCF-style: chr15-42684835-A-G.
Other names: c.946-2A>G (NM_024344.2); c.802-2A>G (NM_173087.2).
Identifiers: ClinVar variation 663747 (VCV000663747.73), dbSNP rs1595826673, ClinGen allele CA391998733.
Genomic context (GRCh38, chr15:42,392,637, plus strand): 5'-CTCCAAGCAGCAGAACTTCTGTTCCCCCGCCCCTAATGGGTTCTCTGGTTACTGCTCTAC[A>G]GACAATCATTCCGGTTCAGTATGAGACAAGAATGGCCTGCGGGCTGGTCAGAGGTCACGC-3'